The following is an entry in ClinVar:

NM_001378452.1(ITPR1):c.5716C>T (p.Arg1906Trp)

Gene: ITPR1 (inositol 1,4,5-trisphosphate receptor type 1; plus strand). Cytogenetic location: 3p26.1.
Variant type: single nucleotide variant.
Coding change: c.5716C>T on transcript NM_001378452.1 (MANE Select); coding-DNA position 5716, C replaced by T.
Protein change: p.Arg1906Trp; replaces arginine 1906 with tryptophan.
Molecular consequence: missense variant.
Genome position (GRCh38, 1-based): chr3:4,766,701, C>T. VCF-style: chr3-4766701-C-T. GRCh37 (hg19) VCF-style: chr3-4808385-C-T.
Other names: c.5572C>T, p.Arg1858Trp (NM_001099952.4); c.5671C>T, p.Arg1891Trp (NM_001168272.2); c.5527C>T, p.Arg1843Trp (NM_002222.7); c.5527C>T (NM_002222.5); short protein forms R1843W, R1891W, R1906W, R1858W.
Identifiers: ClinVar variation 2974078 (VCV002974078.4), dbSNP rs748153130, ClinGen allele CA2232390.

ClinVar aggregate classification (germline): Uncertain significance. Review status: criteria provided, multiple submitters, no conflicts (2 of 4 stars). 2 submissions from 2 submitters: Uncertain significance (2). Last evaluated 2026-03-11.

Allele frequency attached by ClinVar (database versions not stated): ExAC 0.00002; gnomAD 0.00002.
gnomAD v4.1: 37 of 1,592,114 alleles (0.0023%); highest among the groups gnomAD compares: South Asian, 0.0057%; no homozygotes.

Submissions (2):

GeneDx
Classification: Uncertain significance. Last evaluated: 2026-03-11. Review status: criteria provided, single submitter. Criteria: GeneDx Variant Classification Process June 2021. Collection method: clinical testing. Allele origin: germline.
Comment: In silico analysis supports that this missense variant has a deleterious effect on protein structure/function; Has not been previously published as pathogenic or benign to our knowledge

Labcorp Genetics (formerly Invitae), Labcorp
Classification: Uncertain significance. Last evaluated: 2024-12-16. Review status: criteria provided, single submitter. Criteria: Invitae Variant Classification Sherloc (09022015). Collection method: clinical testing. Allele origin: germline.
Comment: This sequence change replaces arginine, which is basic and polar, with tryptophan, which is neutral and slightly polar, at codon 1843 of the ITPR1 protein (p.Arg1843Trp). This variant is present in population databases (rs748153130, gnomAD 0.004%). This variant has not been reported in the literature in individuals affected with ITPR1-related conditions. ClinVar contains an entry for this variant (Variation ID: 2974078). Invitae Evidence Modeling of protein sequence and biophysical properties (such as structural, functional, and spatial information, amino acid conservation, physicochemical variation, residue mobility, and thermodynamic stability) has been performed for this missense variant. However, the output from this modeling did not meet the statistical confidence thresholds required to predict the impact of this variant on ITPR1 protein function. In summary, the available evidence is currently insufficient to determine the role of this variant in disease. Therefore, it has been classified as a Variant of Uncertain Significance.